The following is an entry in ClinVar:

ClinVar aggregate classification (germline): Pathogenic (1 of 4 stars; one submission).

Submission:

Labcorp Genetics (formerly Invitae), Labcorp
Classification: Pathogenic. Last evaluated: 2022-05-13. Review status: criteria provided, single submitter. Criteria: Invitae Variant Classification Sherloc (09022015). Collection method: clinical testing. Allele origin: germline.
Comment: This sequence change creates a premature translational stop signal (p.Asp122Glyfs*6) in the SCLT1 gene. It is expected to result in an absent or disrupted protein product. Loss-of-function variants in SCLT1 are known to be pathogenic (PMID: 28005958). This variant is not present in population databases (gnomAD no frequency). This variant has not been reported in the literature in individuals affected with SCLT1-related conditions. For these reasons, this variant has been classified as Pathogenic.

Literature cited by the submitters: PubMed 28005958.

NM_144643.4(SCLT1):c.364dup (p.Asp122fs)

Gene: SCLT1 (sodium channel and clathrin linker 1; minus strand). Cytogenetic location: 4q28.2.
Variant type: Duplication.
Coding change: c.364dup on transcript NM_144643.4 (MANE Select); coding-DNA position 364, one base duplicated (G; older notation c.364dupG).
Protein change: p.Asp122fs; shifts the reading frame from aspartic acid 122.
Molecular consequence: frameshift variant.
Genome position (GRCh38, 1-based): chr4:129,003,803, C duplicated on the plus strand (G on the coding strand, the reverse complement: SCLT1 is on the minus strand). VCF-style (leftmost placement, unchanged base first): chr4-129003802-T-TC. GRCh37 (hg19) VCF-style: chr4-129924957-T-TC.
Other names: c.364dup, p.Asp122Glyfs (NM_001410807.1); short protein forms D122fs.
Identifiers: ClinVar variation 2129277 (VCV002129277.4), dbSNP rs2530755777, ClinGen allele CA2578195610.